The following is an entry in ClinVar:

NM_000352.6(ABCC8):c.1958_1959insAGGCCAA (p.Glu654fs)

Gene: ABCC8 (ATP binding cassette subfamily C member 8; minus strand). Cytogenetic location: 11p15.1.
Variant type: Insertion.
Coding change: c.1958_1959insAGGCCAA on transcript NM_000352.6 (MANE Select); coding-DNA positions 1958 to 1959, AGGCCAA inserted.
Protein change: p.Glu654fs; shifts the reading frame from glutamic acid 654.
Molecular consequence: frameshift variant. On other transcripts: non-coding transcript variant (1).
Genome position: GRCh38 VCF-style: chr11-17428370-C-CTTGGCCT. GRCh37 (hg19) VCF-style: chr11-17449917-C-CTTGGCCT.
Other names: c.1958_1959insAGGCCAA, p.Glu654fs (NM_001287174.3); c.2024_2025insAGGCCAA, p.Glu676fs (NM_001351295.2); c.1955_1956insAGGCCAA, p.Glu653fs (NM_001351296.2, NM_001351297.2); short protein forms E653fs, E654fs, E676fs.
Identifiers: ClinVar variation 5011273 (VCV005011273.1).

ClinVar aggregate classification (germline): Pathogenic (1 of 4 stars; one submission).

Conditions:
Hyperinsulinemic hypoglycemia, familial, 1 (HHF1). Also called: HYPERINSULINISM, FAMILIAL, WITH PANCREATIC NESIDIOBLASTOSIS; HYPOGLYCEMIA, HYPERINSULINEMIC, OF INFANCY; NESIDIOBLASTOSIS OF PANCREAS; Persistent Hyperinsulinemia Hypoglycemia of Infancy; Persistent hyperinsulinemic hypoglycemia of infancy. Identifiers: Orphanet 276575, Orphanet 276598, MedGen C2931832, MONDO:0009734, OMIM 256450.

Submission:

Myriad Genetics, Inc.
Classification: Pathogenic for Hyperinsulinemic hypoglycemia, familial, 1. Last evaluated: 2023-08-09. Review status: criteria provided, single submitter. Criteria: Myriad Autosomal Dominant, Autosomal Recessive and X-Linked Classification Criteria (2023). Collection method: clinical testing. Allele origin: unknown.
Comment: NM_000352.3(ABCC8):c.1958_1959ins7(E654Gfs*24) is expected to be pathogenic in the context of familial hyperinsulinism, ABCC8-related. This variant is predicted to lead to an abnormal or absent protein product due to the creation of a premature termination codon in ABCC8, a gene where loss-of-function variants are known to be pathogenic. Please note: this variant was assessed in the context of healthy population screening.